The following is an entry in ClinVar:

NM_015650.4(IFT54):c.778G>A (p.Glu260Lys)

Gene: IFT54 (intraflagellar transport 54; plus strand). Cytogenetic location: 2q37.3.
Variant type: single nucleotide variant.
Coding change: c.778G>A on transcript NM_015650.4 (MANE Select); coding-DNA position 778, G replaced by A.
Protein change: p.Glu260Lys; replaces glutamic acid 260 with lysine.
Molecular consequence: missense variant.
Genome position (GRCh38, 1-based): chr2:238,329,205, G>A. VCF-style: chr2-238329205-G-A. GRCh37 (hg19) VCF-style: chr2-239237846-G-A.
Other names: c.778G>A, p.Glu260Lys (NM_001139490.1); short protein forms E260K.
Identifiers: ClinVar variation 715629 (VCV000715629.42), dbSNP rs138469421, ClinGen allele CA2198142.

ClinVar aggregate classification (germline): Benign/Likely benign. Review status: criteria provided, multiple submitters, no conflicts (2 of 4 stars). 5 submissions from 5 submitters: Benign (2); Likely benign (1). 2 of the submissions do not count toward it. Last evaluated 2026-06-01.

Allele frequency attached by ClinVar (database versions not stated): 1000 Genomes Project 0.00120; 1000 Genomes Project 30x 0.00125; TOPMed 0.00445; gnomAD 0.00450 and 0.00462; ESP Exome Variant Server 0.00508; gnomAD exomes 0.00523 and 0.00527; ExAC 0.00877.
gnomAD v4.1: 8,126 of 1,565,716 alleles (0.52%); highest among the groups gnomAD compares: Non-Finnish European, 0.55%; 31 homozygotes.

Submissions (5):

CeGaT Center for Human Genetics Tuebingen
Classification: Likely benign. Last evaluated: 2026-06-01. Review status: criteria provided, single submitter. Criteria: CeGaT Center For Human Genetics Tuebingen Variant Classification Criteria Version 2. Collection method: clinical testing. Allele origin: germline. Affected: yes. Observed: 7 variant alleles.
Comment: IFT54: BP4, BS2

Labcorp Genetics (formerly Invitae), Labcorp
Classification: Benign. Last evaluated: 2026-02-01. Review status: criteria provided, single submitter. Criteria: Invitae Variant Classification Sherloc (09022015). Collection method: clinical testing. Allele origin: germline.

Breakthrough Genomics
Classification: Benign. Review status: criteria provided, single submitter. Criteria: ACMG Guidelines, 2015. Collection method: not provided. Allele origin: germline. Inheritance: Autosomal recessive inheritance. Affected: yes.

Clinical Genetics DNA and cytogenetics Diagnostics Lab, Erasmus MC, Erasmus Medical Center
Classification: Likely benign. Review status: no assertion criteria provided. Collection method: clinical testing. Allele origin: germline. Affected: yes. Study: VKGL Data-share Consensus. Not counted in ClinVar's aggregate classification.

Clinical Genetics, Academic Medical Center
Classification: Benign. Review status: no assertion criteria provided. Collection method: clinical testing. Allele origin: germline. Affected: yes. Study: VKGL Data-share Consensus. Not counted in ClinVar's aggregate classification.